The following is an entry in ClinVar:

ClinVar aggregate classification (germline): Pathogenic (1 of 4 stars; one submission).

Conditions:
Hyperinsulinemic hypoglycemia, familial, 1 (HHF1). Also called: HYPERINSULINISM, FAMILIAL, WITH PANCREATIC NESIDIOBLASTOSIS; HYPOGLYCEMIA, HYPERINSULINEMIC, OF INFANCY; NESIDIOBLASTOSIS OF PANCREAS; Persistent Hyperinsulinemia Hypoglycemia of Infancy; Persistent hyperinsulinemic hypoglycemia of infancy. Identifiers: Orphanet 276575, Orphanet 276598, MedGen C2931832, MONDO:0009734, OMIM 256450.

Submission:

Myriad Genetics, Inc.
Classification: Pathogenic for Hyperinsulinemic hypoglycemia, familial, 1. Last evaluated: 2023-08-18. Review status: criteria provided, single submitter. Criteria: Myriad Autosomal Dominant, Autosomal Recessive and X-Linked Classification Criteria (2023). Collection method: clinical testing. Allele origin: unknown.
Comment: NM_000352.3(ABCC8):c.207_208delTGinsC(H71Tfs*7) is expected to be pathogenic in the context of familial hyperinsulinism, ABCC8-related. This variant is predicted to lead to an abnormal or absent protein product due to the creation of a premature termination codon in ABCC8, a gene where loss-of-function variants are known to be pathogenic. Please note: this variant was assessed in the context of healthy population screening.

NM_000352.6(ABCC8):c.207_208delinsC (p.His71fs)

Gene: ABCC8 (ATP binding cassette subfamily C member 8; minus strand). Cytogenetic location: 11p15.1.
Variant type: Indel.
Coding change: c.207_208delinsC on transcript NM_000352.6 (MANE Select); coding-DNA positions 207 to 208, TG replaced by C.
Protein change: p.His71fs; shifts the reading frame from histidine 71.
Molecular consequence: frameshift variant. On other transcripts: non-coding transcript variant (1).
Genome position (GRCh38, 1-based): chr11:17,474,968-17,474,969, CA replaced by G on the plus strand (TG replaced by C on the coding strand, the reverse complement: ABCC8 is on the minus strand). VCF-style: chr11-17474968-CA-G. GRCh37 (hg19) VCF-style: chr11-17496515-CA-G.
Other names: c.207_208delinsC, p.His71fs (NM_001287174.3, NM_001351295.2, NM_001351296.2 and 1 more transcripts); short protein forms H71fs.
Identifiers: ClinVar variation 5011384 (VCV005011384.1).